The following is an entry in ClinVar:

NM_032382.5(COG8):c.903C>G (p.Pro301=)

Gene: COG8 (component of oligomeric golgi complex 8; minus strand). Cytogenetic location: 16q22.1.
Variant type: single nucleotide variant.
Coding change: c.903C>G on transcript NM_032382.5 (MANE Select); coding-DNA position 903, C replaced by G.
Protein change: p.Pro301=; no amino-acid change (proline 301 retained).
Molecular consequence: synonymous variant.
Genome position (GRCh38, 1-based): chr16:69,335,031, G>C on the plus strand (C>G on the coding strand, the complement: COG8 is on the minus strand). VCF-style: chr16-69335031-G-C. GRCh37 (hg19) VCF-style: chr16-69368934-G-C.
Other names: c.903C>G, p.Pro301= (NM_001374871.1, NM_001379261.1, NM_001379262.1 and 4 more transcripts).
Identifiers: ClinVar variation 320314 (VCV000320314.35), dbSNP rs140736262, ClinGen allele CA8133836.

ClinVar aggregate classification (germline): Conflicting classifications of pathogenicity. Review status: criteria provided, conflicting classifications (1 of 4 stars). 6 submissions from 6 submitters: Uncertain significance (1); Benign (1); Likely benign (4). Last evaluated 2026-05-13.

Conditions:
COG8-congenital disorder of glycosylation. Also called: CDG IIh; COG8-CDG. Identifiers: Orphanet 95428, MedGen C1970021, MONDO:0012635, OMIM 611182.

Allele frequency attached by ClinVar (database versions not stated): gnomAD exomes 0.00062; ExAC 0.00085; 1000 Genomes Project 0.00260; gnomAD 0.00271; TOPMed 0.00288; ESP Exome Variant Server 0.00292; 1000 Genomes Project 30x 0.00312.

Submissions (6):

Women's Health and Genetics/Laboratory Corporation of America, LabCorp
Classification: Likely benign. Last evaluated: 2026-05-13. Review status: criteria provided, single submitter. Criteria: LabCorp Variant Classification Summary - May 2015. Collection method: clinical testing. Allele origin: germline.

Labcorp Genetics (formerly Invitae), Labcorp
Classification: Benign for COG8-congenital disorder of glycosylation. Last evaluated: 2025-03-18. Review status: criteria provided, single submitter. Criteria: Invitae Variant Classification Sherloc (09022015). Collection method: clinical testing. Allele origin: germline.

Blueprint Genetics
Classification: Likely benign. Last evaluated: 2024-08-06. Review status: criteria provided, single submitter. Criteria: ACMG Guidelines, 2015. Collection method: clinical testing. Allele origin: germline.

CeGaT Center for Human Genetics Tuebingen
Classification: Likely benign. Last evaluated: 2024-08-01. Review status: criteria provided, single submitter. Criteria: CeGaT Center For Human Genetics Tuebingen Variant Classification Criteria Version 2. Collection method: clinical testing. Allele origin: germline. Affected: yes. Observed: 1 variant allele.
Comment: COG8: BP4, BP7

Illumina Laboratory Services, Illumina
Classification: Uncertain significance for COG8-congenital disorder of glycosylation. Last evaluated: 2018-01-13. Review status: criteria provided, single submitter. Criteria: ICSL Variant Classification Criteria 13 December 2019. Collection method: clinical testing. Allele origin: germline.

GeneDx
Classification: Likely benign. Last evaluated: 2016-01-28. Review status: criteria provided, single submitter. Criteria: GeneDx Variant Classification (06012015). Collection method: clinical testing. Allele origin: germline. Affected: yes.
Comment: This variant is considered likely benign or benign based on one or more of the following criteria: it is a conservative change, it occurs at a poorly conserved position in the protein, it is predicted to be benign by multiple in silico algorithms, and/or has population frequency not consistent with disease.